The following is an entry in ClinVar:

NM_000293.3(PHKB):c.3280del (p.Ter1094SerextTer?)

Gene: PHKB (phosphorylase kinase regulatory subunit beta; plus strand). Cytogenetic location: 16q12.1.
Variant type: Deletion.
Coding change: c.3280del on transcript NM_000293.3 (MANE Select); coding-DNA position 3280, one base deleted (T; older notation c.3280delT).
Protein change: p.Ter1094SerextTer?.
Molecular consequence: frameshift variant, stop lost.
Genome position (GRCh38, 1-based): chr16:47,699,364, T deleted. VCF-style (leftmost placement, unchanged base first): chr16-47699363-CT-C. GRCh37 (hg19) VCF-style: chr16-47733274-CT-C.
Other names: c.3259del, p.Ter1087SerextTer? (NM_001031835.3); c.3280del, p.Ter1094SerextTer? (NM_001363837.1).
Identifiers: ClinVar variation 2039391 (VCV002039391.4), dbSNP rs2506741969, ClinGen allele CA2580091567.

ClinVar aggregate classification (germline): Uncertain significance (1 of 4 stars; one submission).

Conditions:
Glycogen storage disease IXb (GSD9B). Also called: GLYCOGENOSIS OF LIVER AND MUSCLE, AUTOSOMAL RECESSIVE; GSD IXb; PHOSPHORYLASE KINASE DEFICIENCY OF LIVER AND MUSCLE, AUTOSOMAL RECESSIVE. Identifiers: Orphanet 79240, MedGen C0543514, MONDO:0009868, OMIM 261750.

Submission:

Labcorp Genetics (formerly Invitae), Labcorp
Classification: Uncertain significance for Glycogen storage disease IXb. Last evaluated: 2022-08-09. Review status: criteria provided, single submitter. Criteria: Invitae Variant Classification Sherloc (09022015). Collection method: clinical testing. Allele origin: germline.
Comment: In summary, the available evidence is currently insufficient to determine the role of this variant in disease. Therefore, it has been classified as a Variant of Uncertain Significance. Experimental studies and prediction algorithms are not available or were not evaluated, and the functional significance of this variant is currently unknown. This variant has not been reported in the literature in individuals affected with PHKB-related conditions. This variant is not present in population databases (gnomAD no frequency). This sequence change results in a frameshift in the PHKB gene (p.*1094Serext*23). While this is not anticipated to result in nonsense mediated decay, it is expected to disrupt the last amino acid of the PHKB protein and extend the protein by 23 additional amino acid residues.